The following is an entry in ClinVar:

NM_002156.5(HSPD1):c.794A>G (p.Asn265Ser)

Gene: HSPD1 (heat shock protein family D (Hsp60) member 1; minus strand). Cytogenetic location: 2q33.1.
Variant type: single nucleotide variant.
Coding change: c.794A>G on transcript NM_002156.5 (MANE Select); coding-DNA position 794, A replaced by G.
Protein change: p.Asn265Ser; replaces asparagine 265 with serine.
Molecular consequence: missense variant.
Genome position (GRCh38, 1-based): chr2:197,493,399, T>C on the plus strand (A>G on the coding strand, the complement: HSPD1 is on the minus strand). VCF-style: chr2-197493399-T-C. GRCh37 (hg19) VCF-style: chr2-198358123-T-C.
Other names: c.794A>G, p.Asn265Ser (NM_199440.2); short protein forms N265S.
Identifiers: ClinVar variation 188178 (VCV000188178.12), dbSNP rs149003485, ClinGen allele CA334242.

ClinVar aggregate classification (germline): Conflicting classifications of pathogenicity. Review status: criteria provided, conflicting classifications (1 of 4 stars). 2 submissions from 2 submitters: Uncertain significance (1); Likely benign (1). Last evaluated 2025-11-03.

Conditions:
Spastic paraplegia. Identifiers: MedGen C0037772, HP:0001258.
Hereditary spastic paraplegia 13 (SPG13). Also called: SPASTIC PARAPLEGIA 13, AUTOSOMAL DOMINANT; Spastic paraplegia 13. Identifiers: Orphanet 100994, MedGen C1854467, MONDO:0011532, OMIM 605280.

Allele frequency attached by ClinVar (database versions not stated): TOPMed 0.00008; gnomAD 0.00011; gnomAD exomes 0.00014; ESP Exome Variant Server 0.00015; ExAC 0.00019.
gnomAD v4.1: 149 of 1,613,894 alleles (0.0092%); highest among the groups gnomAD compares: Middle Eastern, 0.15%; no homozygotes.

Submissions (2):

Labcorp Genetics (formerly Invitae), Labcorp
Classification: Uncertain significance for Spastic paraplegia. Last evaluated: 2025-11-03. Review status: criteria provided, single submitter. Criteria: Invitae Variant Classification Sherloc (09022015). Collection method: clinical testing. Allele origin: germline.
Comment: This sequence change replaces asparagine, which is neutral and polar, with serine, which is neutral and polar, at codon 265 of the HSPD1 protein (p.Asn265Ser). This variant is present in population databases (rs149003485, gnomAD 0.08%). This variant has not been reported in the literature in individuals affected with HSPD1-related conditions. ClinVar contains an entry for this variant (Variation ID: 188178). Invitae Evidence Modeling of protein sequence and biophysical properties (such as structural, functional, and spatial information, amino acid conservation, physicochemical variation, residue mobility, and thermodynamic stability) indicates that this missense variant is not expected to disrupt HSPD1 protein function with a negative predictive value of 80%. In summary, the available evidence is currently insufficient to determine the role of this variant in disease. Therefore, it has been classified as a Variant of Uncertain Significance.

Illumina Laboratory Services, Illumina
Classification: Likely benign for Hereditary spastic paraplegia 13. Last evaluated: 2018-01-13. Review status: criteria provided, single submitter. Criteria: ICSL Variant Classification Criteria 13 December 2019. Collection method: clinical testing. Allele origin: germline.
Comment: This variant was observed in the ICSL laboratory as part of a predisposition screen in an ostensibly healthy population. It had not been previously curated by ICSL or reported in the Human Gene Mutation Database (HGMD: prior to June 1st, 2018), and was therefore a candidate for classification through an automated scoring system. Utilizing variant allele frequency, disease prevalence and penetrance estimates, and inheritance mode, an automated score was calculated to assess if this variant is too frequent to cause the disease. Based on the score and internal cut-off values, a variant classified as likely benign is not then subjected to further curation. The score for this variant resulted in a classification of likely benign for this disease.